The following is an entry in ClinVar:

NM_000092.5(COL4A4):c.3716G>T (p.Gly1239Val)

Gene: COL4A4 (collagen type IV alpha 4 chain; minus strand). Cytogenetic location: 2q36.3.
Variant type: single nucleotide variant.
Coding change: c.3716G>T on transcript NM_000092.5 (MANE Select); coding-DNA position 3716, G replaced by T.
Protein change: p.Gly1239Val; replaces glycine 1239 with valine.
Molecular consequence: missense variant.
Genome position (GRCh38, 1-based): chr2:227,032,046, C>A on the plus strand (G>T on the coding strand, the complement: COL4A4 is on the minus strand). VCF-style: chr2-227032046-C-A. GRCh37 (hg19) VCF-style: chr2-227896762-C-A.
Other names: short protein forms G1239V.
Identifiers: ClinVar variation 1678569 (VCV001678569.2), dbSNP rs1394140383, ClinGen allele CA350837687.
Genomic context (GRCh38, chr2:227,032,046, plus strand): 5'-GGACCCGGGTCAGGAATGTCCTTAGGAGCTCTTCCTGTGGCACCTGCAGGACCAGGTGGT[C>A]CTGAACTCCCTAAGAAGAGACATGTTCACATGTTATCCTCATTGCATTTGGAAGGTTTTG-3'
Protein context (NP_000083.3, residues 1229-1249): KGPPGPPGSS[Gly1239Val]PPGPAGATGR

ClinVar aggregate classification (germline): Uncertain significance (1 of 4 stars; one submission).

Conditions:
Autosomal recessive Alport syndrome (ATS2). Also called: COL4A4 Alport Syndrome and Thin Basement Membrane Nephropathy; ALPORT SYNDROME 2, AUTOSOMAL RECESSIVE; Alport syndrome type 2; COL4A3-Related Nephropathy. Identifiers: Orphanet 63, Orphanet 88919, MedGen C4746745, MONDO:0008762, OMIM 203780.

Submission:

Molecular Genetics, Royal Melbourne Hospital
Classification: Uncertain significance for Autosomal recessive Alport syndrome. Last evaluated: 2023-03-30. Review status: criteria provided, single submitter. Criteria: ACMG Guidelines, 2015. Collection method: clinical testing. Allele origin: germline. Affected: yes.
Comment: This sequence change is predicted to replace glycine with valine at codon 1239 of the COL4A4 protein (p.Gly1239Val). The glycine residue is highly conserved (100 vertebrates, UCSC), and is present in the critical glycine residue in a collagen triple helix repeat (Gly-X-Y) in one of the intermediate collagenous domains (PM1). There is a large physicochemical difference between glycine and valine. The variant is absent in a large population cohort (gnomAD v2.1 - PM2). It has not been reported previously in the relevant medical literature and databases. Multiple lines of computational evidence predict a deleterious effect for the missense substitution (6/6 algorithms - PP3). Based on the classification scheme RMH ACMG Guidelines v1.1.1, this variant is classified as a VARIANT of UNCERTAIN SIGNIFICANCE. Following criteria are met: PM1, PM2, PP3.